The following is an entry in ClinVar:

ClinVar aggregate classification (germline): Uncertain significance. Review status: criteria provided, multiple submitters, no conflicts (2 of 4 stars). 2 submissions from 2 submitters: Uncertain significance (2). Last evaluated 2025-08-01.

Allele frequency attached by ClinVar (database versions not stated): gnomAD exomes below 0.00001; ExAC 0.00002; gnomAD 0.00005; TOPMed 0.00006; ESP Exome Variant Server 0.00015.
gnomAD v4.1: 10 of 1,614,008 alleles (0.00062%); highest among the groups gnomAD compares: African/African-American, 0.013%; no homozygotes.

Submissions (2):

Ambry Genetics
Classification: Uncertain significance. Last evaluated: 2025-08-01. Review status: criteria provided, single submitter. Criteria: Ambry Variant Classification Scheme 2023. Collection method: clinical testing. Allele origin: germline.

Labcorp Genetics (formerly Invitae), Labcorp
Classification: Uncertain significance. Last evaluated: 2024-03-13. Review status: criteria provided, single submitter. Criteria: Invitae Variant Classification Sherloc (09022015). Collection method: clinical testing. Allele origin: germline.
Comment: This sequence change replaces leucine, which is neutral and non-polar, with phenylalanine, which is neutral and non-polar, at codon 629 of the NIN protein (p.Leu629Phe). This variant is present in population databases (rs372613872, gnomAD 0.01%). This variant has not been reported in the literature in individuals affected with NIN-related conditions. ClinVar contains an entry for this variant (Variation ID: 2263524). An algorithm developed to predict the effect of missense changes on protein structure and function (PolyPhen-2) suggests that this variant is likely to be disruptive. In summary, the available evidence is currently insufficient to determine the role of this variant in disease. Therefore, it has been classified as a Variant of Uncertain Significance.

NM_020921.4(NIN):c.1885C>T (p.Leu629Phe)

Gene: NIN (ninein; minus strand). Cytogenetic location: 14q22.1.
Variant type: single nucleotide variant.
Coding change: c.1885C>T on transcript NM_020921.4 (MANE Select); coding-DNA position 1885, C replaced by T.
Protein change: p.Leu629Phe; replaces leucine 629 with phenylalanine.
Molecular consequence: missense variant.
Genome position (GRCh38, 1-based): chr14:50,761,801, G>A on the plus strand (C>T on the coding strand, the complement: NIN is on the minus strand). VCF-style: chr14-50761801-G-A. GRCh37 (hg19) VCF-style: chr14-51228519-G-A.
Other names: c.1885C>T, p.Leu629Phe (NM_016350.5, NM_182944.3, NM_182946.2); short protein forms L629F.
Identifiers: ClinVar variation 2263524 (VCV002263524.5), dbSNP rs372613872, ClinGen allele CA7182062.
Genomic context (GRCh38, chr14:50,761,801, plus strand): 5'-TGTCAGAGCCAAAAGAAATTAGAGAAGTGGATTGGTGGGAAGGACTTACTTTATCTTCGA[G>A]CTCCAGTCTGAGGCAACATATGTCCCTGTGATGTTGTTCTTTCATCTGTTCAATGACCAG-3'
Protein context (NP_065972.4, residues 619-639): HRDICCLRLE[Leu629Phe]EDKVRHYEKQ